The following is an entry in ClinVar:

ClinVar aggregate classification (germline): Pathogenic/Likely pathogenic. Review status: criteria provided, multiple submitters, no conflicts (2 of 4 stars). 4 submissions from 4 submitters: Pathogenic (2); Likely pathogenic (2). Last evaluated 2026-05-26.

Conditions:
PDE6B-related disorder. Also called: PDE6B-related disease; PDE6B-related condition; PDE6B-related disorders.
Retinitis pigmentosa 40 (RP40). Identifiers: Orphanet 791, MedGen C3151107, MONDO:0013429, OMIM 613801.

gnomAD v4.1: 4 of 1,610,472 alleles (0.00025%); highest among the groups gnomAD compares: Admixed American, 0.0033%; no homozygotes.

Submissions (4):

PreventionGenetics, part of Exact Sciences
Classification: Likely pathogenic for PDE6B-related condition. Last evaluated: 2026-05-26. Review status: criteria provided, single submitter. Criteria: ACMG Guidelines, 2015. Collection method: clinical testing. Allele origin: germline.
Comment: The PDE6B c.2197G>C variant is predicted to result in the amino acid substitution p.Ala733Pro. This variant has been reported in the homozygous state in individuals with night blindness or rod-cone retinal dystrophies (Vincent et al. 2017. PubMed ID: 28488341; eTable 6, Khateb et al. 2019. PubMed ID: 30998820) and in the homozygous state in at least two individuals undergoing testing for inherited retinal disease (Internal Data, PreventionGenetics). This variant has been reported as a founder variant in the Mãori population (Vincent et al. 2017. PubMed ID: 28488341). This variant is absent in a large population database (gnomAD), indicating this variant is rare. This variant is interpreted as likely pathogenic.

Labcorp Genetics (formerly Invitae), Labcorp
Classification: Pathogenic. Last evaluated: 2026-01-06. Review status: criteria provided, single submitter. Criteria: Invitae Variant Classification Sherloc (09022015). Collection method: clinical testing. Allele origin: germline.
Comment: This sequence change replaces alanine, which is neutral and non-polar, with proline, which is neutral and non-polar, at codon 733 of the PDE6B protein (p.Ala733Pro). This variant is not present in population databases (gnomAD no frequency). This missense change has been observed in individuals with clinical features of autosomal recessive inherited retinal dystrophy (PMID: 28488341, 30998820). ClinVar contains an entry for this variant (Variation ID: 1475513). Invitae Evidence Modeling of protein sequence and biophysical properties (such as structural, functional, and spatial information, amino acid conservation, physicochemical variation, residue mobility, and thermodynamic stability) indicates that this missense variant is expected to disrupt PDE6B protein function with a positive predictive value of 95%. For these reasons, this variant has been classified as Pathogenic.

Blueprint Genetics
Classification: Pathogenic for PDE6B-related disorders. Last evaluated: 2024-11-01. Review status: criteria provided, single submitter. Criteria: ACMG Guidelines, 2015. Collection method: clinical testing. Allele origin: germline. Affected: yes. Observed: 5 variant alleles.

3billion
Classification: Likely pathogenic for Retinitis pigmentosa 40. Last evaluated: 2024-08-28. Review status: criteria provided, single submitter. Criteria: ACMG Guidelines, 2015. Collection method: clinical testing. Allele origin: germline. Affected: yes.
Comment: The variant is observed at an extremely low frequency in the gnomAD v4.0.0 dataset (total allele frequency: <0.001%). Predicted Consequence/Location: Missense variant In silico tool predictions suggest damaging effect of the variant on gene or gene product [REVEL: 0.92 (>=0.6, sensitivity 0.68 and specificity 0.92)]. The same nucleotide change resulting in the same amino acid change has been previously reported to be associated with PDE6B-related disorder (ClinVar ID: VCV001475513 /PMID: 28488341). The variant has been observed in multiple (>3) similarly affected unrelated individuals (PMID: 28488341, 30998820). Therefore, this variant is classified as Likely pathogenic according to the recommendation of ACMG/AMP guideline.

Literature cited by the submitters: PubMed 28488341 (cited by Labcorp Genetics (formerly Invitae), Labcorp and 3billion); PubMed 30998820 (cited by Labcorp Genetics (formerly Invitae), Labcorp and 3billion).

NM_000283.4(PDE6B):c.2197G>C (p.Ala733Pro)

Gene: PDE6B (phosphodiesterase 6B; plus strand). Cytogenetic location: 4p16.3.
Variant type: single nucleotide variant.
Coding change: c.2197G>C on transcript NM_000283.4 (MANE Select); coding-DNA position 2197, G replaced by C.
Protein change: p.Ala733Pro; replaces alanine 733 with proline.
Molecular consequence: missense variant.
Genome position (GRCh38, 1-based): chr4:665,258, G>C. VCF-style: chr4-665258-G-C. GRCh37 (hg19) VCF-style: chr4-659047-G-C.
Other names: c.2197G>C (NM_000283.3); c.2197G>C, p.Ala733Pro (NM_001145291.2); c.1360G>C, p.Ala454Pro (NM_001145292.2, NM_001350154.3, NM_001379246.1 and 1 more transcripts); c.1042G>C, p.Ala348Pro (NM_001350155.3); short protein forms A454P, A348P, A733P.
Identifiers: ClinVar variation 1475513 (VCV001475513.11), dbSNP rs367879245, ClinGen allele CA91092959.